The following is an entry in ClinVar:

NC_000003.11:g.(?_3170725)_(3189838_?)dup

Gene: TRNT1 (tRNA nucleotidyl transferase 1; plus strand). Cytogenetic location: 3p26.2.
Variant type: Duplication.
Identifiers: ClinVar variation 1447561 (VCV001447561.4).

ClinVar aggregate classification (germline): Uncertain significance (1 of 4 stars; one submission).

Conditions:
Congenital sideroblastic anemia-B-cell immunodeficiency-periodic fever-developmental delay syndrome. Also called: Sideroblastic anemia with B-cell immunodeficiency, periodic fevers, and developmental delay. Identifiers: Orphanet 369861, MedGen C4015172, MONDO:0014487, OMIM 616084.

Submission:

Labcorp Genetics (formerly Invitae), Labcorp
Classification: Uncertain significance for Congenital sideroblastic anemia-B-cell immunodeficiency-periodic fever-developmental delay syndrome. Last evaluated: 2022-09-08. Review status: criteria provided, single submitter. Criteria: Invitae Variant Classification Sherloc (09022015). Collection method: clinical testing. Allele origin: germline.
Comment: A copy number gain of the genomic region encompassing the full coding sequence of the TRNT1 gene has been identified. The boundaries of this event are unknown as they extend beyond the assayed region for this gene and therefore may encompass additional genes. As the precise location of this event is unknown, it may be in tandem or it may be located elsewhere in the genome. This variant has not been reported in the literature in individuals affected with TRNT1-related conditions. In summary, the available evidence is currently insufficient to determine the role of this variant in disease. Therefore, it has been classified as a Variant of Uncertain Significance.